The following is an entry in ClinVar:

NM_000138.5(FBN1):c.643C>G (p.Arg215Gly)

Gene: FBN1 (fibrillin 1; minus strand). Cytogenetic location: 15q21.1.
Variant type: single nucleotide variant.
Coding change: c.643C>G on transcript NM_000138.5 (MANE Select); coding-DNA position 643, C replaced by G.
Protein change: p.Arg215Gly; replaces arginine 215 with glycine.
Molecular consequence: missense variant.
Genome position (GRCh38, 1-based): chr15:48,537,704, G>C on the plus strand (C>G on the coding strand, the complement: FBN1 is on the minus strand). VCF-style: chr15-48537704-G-C. GRCh37 (hg19) VCF-style: chr15-48829901-G-C.
Other names: short protein forms R215G.
Identifiers: ClinVar variation 561296 (VCV000561296.20), dbSNP rs111687884, ClinGen allele CA056783.

ClinVar aggregate classification (germline): Conflicting classifications of pathogenicity. Review status: criteria provided, conflicting classifications (1 of 4 stars). 7 submissions from 7 submitters: Likely pathogenic (2); Uncertain significance (4). 1 of the submissions does not count toward it. Last evaluated 2026-06-01.

Conditions:
Familial thoracic aortic aneurysm and aortic dissection (TAAD). Also called: Thoracic aortic aneurysms and dissections. Identifiers: Orphanet 91387, MedGen C4707243, MONDO:0019625.
Marfan syndrome (MFS). Also called: FBN1-Related Marfan Syndrome; Marfan syndrome type 1; Marfan's syndrome; Marfan syndrome, classic; MARFAN SYNDROME, TYPE I. Identifiers: Orphanet 284963, Orphanet 558, MedGen C0024796, MONDO:0007947, OMIM 154700.
Familial aortopathy. Identifiers: MedGen CN078214.

Allele frequency attached by ClinVar (database versions not stated): gnomAD 0.00001; ExAC 0.00002; gnomAD exomes 0.00001 and 0.00002; TOPMed 0.00002.
gnomAD v4.1: 15 of 1,614,098 alleles (0.00093%); highest among the groups gnomAD compares: Admixed American, 0.0017%; no homozygotes.

Submissions (7):

Women's Health and Genetics/Laboratory Corporation of America, LabCorp
Classification: Likely pathogenic for Familial aortopathy. Last evaluated: 2026-06-01. Review status: criteria provided, single submitter. Criteria: LabCorp Variant Classification Summary - May 2015. Collection method: clinical testing. Allele origin: germline.
Comment: Variant summary: FBN1 c.643C>G (p.Arg215Gly) results in a non-conservative amino acid change in the encoded protein sequence. Algorithms developed to predict the effect of missense changes on protein structure and function all suggest that this variant is likely to be disruptive. The variant allele was found at a frequency of 1.6e-05 in 251368 control chromosomes (gnomAD). c.643C>G has been observed in the heterozygous state in multiple related individuals affected with FBN1-related aortopathy (internal data). These data do not allow any conclusion about variant significance. To our knowledge, no experimental evidence demonstrating an impact on protein function has been reported. Internally validated machine learning-based Evidence Modeling of protein sequence and biophysical properties (such as structural, functional, and spatial information, amino acid conservation, physicochemical variation, residue mobility, and thermodynamic stability) indicates that this missense variant is expected to disrupt protein function with a positive predictive value of at least 95%. ClinVar contains an entry for this variant (Variation ID: 561296). Based on the evidence outlined above, the variant was classified as likely pathogenic.

Ambry Genetics
Classification: Uncertain significance for Familial thoracic aortic aneurysm and aortic dissection. Last evaluated: 2026-03-19. Review status: criteria provided, single submitter. Criteria: Ambry Variant Classification Scheme 2023. Collection method: clinical testing. Allele origin: germline.
Comment: The p.R215G variant (also known as c.643C>G), located in coding exon 6 of the FBN1 gene, results from a C to G substitution at nucleotide position 643. The arginine at codon 215 is replaced by glycine, an amino acid with dissimilar properties. This variant was reported in individual(s) with features consistent with aortic dilation with or without bicuspid aortic valve (BAV) (external communication; Ambry internal data). This amino acid position is highly conserved in available vertebrate species. In addition, this alteration is predicted to be deleterious by in silico analysis. Based on the available evidence, the clinical significance of this variant remains unclear.

Labcorp Genetics (formerly Invitae), Labcorp
Classification: Likely pathogenic for Marfan syndrome; Familial thoracic aortic aneurysm and aortic dissection. Last evaluated: 2025-07-16. Review status: criteria provided, single submitter. Criteria: Invitae Variant Classification Sherloc (09022015). Collection method: clinical testing. Allele origin: germline.
Comment: This sequence change replaces arginine, which is basic and polar, with glycine, which is neutral and non-polar, at codon 215 of the FBN1 protein (p.Arg215Gly). This variant is present in population databases (rs111687884, gnomAD 0.02%). This missense change has been observed in individual(s) with clinical features of FBN1-related conditions (external communication, internal data). It has also been observed to segregate with disease in related individuals. ClinVar contains an entry for this variant (Variation ID: 561296). Invitae Evidence Modeling of protein sequence and biophysical properties (such as structural, functional, and spatial information, amino acid conservation, physicochemical variation, residue mobility, and thermodynamic stability) indicates that this missense variant is expected to disrupt FBN1 protein function with a positive predictive value of 95%. In summary, the currently available evidence indicates that the variant is pathogenic, but additional data are needed to prove that conclusively. Therefore, this variant has been classified as Likely Pathogenic.

All of Us Research Program, National Institutes of Health
Classification: Uncertain significance for Marfan syndrome. Last evaluated: 2024-02-22. Review status: criteria provided, single submitter. Criteria: ACMG Guidelines, 2015. Collection method: clinical testing. Allele origin: germline. Inheritance: Autosomal dominant inheritance. Observed: 10 variant alleles, 10 heterozygotes.
Comment: This missense variant replaces arginine with glycine at codon 215 of the FBN1 protein. Computational prediction suggests that this variant may have deleterious impact on protein structure and function (internally defined REVEL score threshold >= 0.7, PMID: 27666373). To our knowledge, functional studies have not been reported for this variant. This variant has not been reported in individuals affected with cardiovascular disorders in the literature. This variant has been identified in 4/251368 chromosomes in the general population by the Genome Aggregation Database (gnomAD). The available evidence is insufficient to determine the role of this variant in disease conclusively. Therefore, this variant is classified as a Variant of Uncertain Significance.

This study involves interpretation of variants in research participants for the purpose of population health screening. Participant phenotype was not available at the time of variant classification. Additional details can be found in publication PMID: 35346344, PMCID: PMC8962531

Color Diagnostics, LLC DBA Color Health
Classification: Uncertain significance for Familial thoracic aortic aneurysm and aortic dissection. Last evaluated: 2024-02-09. Review status: criteria provided, single submitter. Criteria: ACMG Guidelines, 2015. Collection method: clinical testing. Allele origin: germline.
Comment: This missense variant replaces arginine with glycine at codon 215 of the FBN1 protein. Computational prediction tools indicate that this variant has a deleterious impact on protein structure and function. To our knowledge, functional studies have not been reported for this variant. This variant has not been reported in individuals affected with FBN1-related disorders in the literature. This variant has been identified in 4/251368 chromosomes in the general population by the Genome Aggregation Database (gnomAD). The available evidence is insufficient to determine the role of this variant in disease conclusively. Therefore, this variant is classified as a Variant of Uncertain Significance.

GeneDx
Classification: Uncertain significance. Last evaluated: 2023-07-06. Review status: criteria provided, single submitter. Criteria: GeneDx Variant Classification Process June 2021. Collection method: clinical testing. Allele origin: germline. Affected: yes.
Comment: Has not been previously published as pathogenic or benign to our knowledge; Not observed at significant frequency in large population cohorts (gnomAD); Does not affect a cysteine residue within a calcium-binding EGF-like domain or a TGF-binding protein domain of the FBN1 gene; cysteine substitutions in the calcium-binding EGF-like domains represent the majority of pathogenic missense changes associated with FBN1-related disorders (Collod-Beroud et al., 2003); In silico analysis supports that this missense variant has a deleterious effect on protein structure/function; This variant is associated with the following publications: (PMID: 12938084)

Center for Human Genetics, Inc
Classification: Likely benign for Marfan syndrome. Last evaluated: 2018-06-01. Review status: flagged submission. Criteria: ACMG Guidelines, 2015. Collection method: clinical testing. Allele origin: germline. Affected: yes. Not counted in ClinVar's aggregate classification.
ClinVar note: Reason: Older and outlier claim with insufficient supporting evidence